The following is an entry in ClinVar:

NM_002617.4(PEX10):c.868C>G (p.His290Asp)

Gene: PEX10 (peroxisomal biogenesis factor 10; minus strand). Cytogenetic location: 1p36.32.
Variant type: single nucleotide variant.
Coding change: c.868C>G on transcript NM_002617.4 (MANE Select); coding-DNA position 868, C replaced by G.
Protein change: p.His290Asp; replaces histidine 290 with aspartic acid.
Molecular consequence: missense variant. On other transcripts: non-coding transcript variant (1).
Genome position (GRCh38, 1-based): chr1:2,406,528, G>C on the plus strand (C>G on the coding strand, the complement: PEX10 is on the minus strand). VCF-style: chr1-2406528-G-C. GRCh37 (hg19) VCF-style: chr1-2337967-G-C.
Other names: c.925C>G, p.His309Asp (NM_001374425.1); c.493C>G, p.His165Asp (NM_001374426.1); c.436C>G, p.His146Asp (NM_001374427.1); c.928C>G, p.His310Asp (NM_153818.2); short protein forms H310D, H290D, H146D, H165D, H309D.
Identifiers: ClinVar variation 552930 (VCV000552930.6), dbSNP rs61752094, ClinGen allele CA16942840.

ClinVar aggregate classification (germline): Conflicting classifications of pathogenicity. Review status: criteria provided, conflicting classifications (1 of 4 stars). 4 submissions from 4 submitters: Likely pathogenic (2); Uncertain significance (1). 1 of the submissions does not count toward it. Last evaluated 2025-07-17.

Conditions:
Zellweger spectrum disorders (ZS). Also called: Zellweger Spectrum Disorder; Zellweger Spectrum; Zellweger Spectrum Disorder (ZSD); Zellweger syndrome. Identifiers: Orphanet 912, MedGen C0043459, MONDO:0019609.
Peroxisome biogenesis disorder, complementation group 7 (CG7). Also called: Peroxisome biogenesis disorder, complementation group B. Identifiers: MedGen C1864399.
Peroxisome biogenesis disorder 6A (Zellweger). Also called: Peroxisome biogenesis disorder 6A. Identifiers: Orphanet 912, MedGen C3553947, MONDO:0013936, OMIM 614870.
Peroxisome biogenesis disorder 6B (PBD6B). Identifiers: Orphanet 44, MedGen C3553948, MONDO:0013937, OMIM 614871.

Allele frequency attached by ClinVar (database versions not stated): gnomAD 0.00002; TOPMed 0.00003.

Submissions (4):

Natera, Inc.
Classification: Likely pathogenic for Zellweger syndrome. Last evaluated: 2025-07-17. Review status: criteria provided, single submitter. Criteria: Natera Variant Classification Schema (03/2026). Collection method: clinical testing. Allele origin: germline.
Comment: The c.928C>G variant in PEX10 is a missense variant predicted to cause substitution of histidine to aspartic acid at amino acid 310. This variant is rare in the general population with a frequency below the threshold expected for the associated phenotype(s). This variant has been observed in one or more individuals affected with the associated recessive disease, as either homozygous or compound heterozygous with a second variant (PMID: 15542397). This variant has been identified in one or more affected individuals with a phenotype highly consistent with the associated gene (PMID: 15542397). Computational prediction algorithms indicate this variant is likely to affect gene or protein function. Given the available evidence, this variant is classified as Likely Pathogenic.

Baylor Genetics
Classification: Likely pathogenic for Peroxisome biogenesis disorder 6A (Zellweger). Last evaluated: 2023-09-20. Review status: criteria provided, single submitter. Criteria: ACMG Guidelines, 2015. Collection method: clinical testing. Allele origin: unknown.

Labcorp Genetics (formerly Invitae), Labcorp
Classification: Uncertain significance for Peroxisome biogenesis disorder, complementation group 7. Last evaluated: 2021-07-14. Review status: criteria provided, single submitter. Criteria: Invitae Variant Classification Sherloc (09022015). Collection method: clinical testing. Allele origin: germline.
Comment: This sequence change replaces histidine with aspartic acid at codon 310 of the PEX10 protein (p.His310Asp). The histidine residue is highly conserved and there is a moderate physicochemical difference between histidine and aspartic acid. This variant is not present in population databases (ExAC no frequency). This missense change has been observed in individual(s) with Zellweger syndrome (PMID: 15542397). This variant is also known as Nt870 (H290D). ClinVar contains an entry for this variant (Variation ID: 552930). Algorithms developed to predict the effect of missense changes on protein structure and function (SIFT, PolyPhen-2, Align-GVGD) all suggest that this variant is likely to be disruptive. This variant disrupts the p.His310 amino acid residue in PEX10. Other variant(s) that disrupt this residue have been observed in individuals with PEX10-related conditions (PMID: 9683594, 15542397), which suggests that this may be a clinically significant amino acid residue. In summary, the available evidence is currently insufficient to determine the role of this variant in disease. Therefore, it has been classified as a Variant of Uncertain Significance.

Counsyl
Classification: Uncertain significance for Peroxisome biogenesis disorder 6A (Zellweger); Peroxisome biogenesis disorder 6B. Last evaluated: 2017-07-18. Review status: no assertion criteria provided. Collection method: clinical testing. Allele origin: unknown. Not counted in ClinVar's aggregate classification.

Literature cited by the submitters: PubMed 15542397 (cited by 3 submitters); PubMed 9683594 (cited by Labcorp Genetics (formerly Invitae), Labcorp).